The following is an entry in ClinVar:

NM_006031.6(PCNT):c.8422C>A (p.Leu2808Ile)

Gene: PCNT (pericentrin; plus strand). Cytogenetic location: 21q22.3.
Variant type: single nucleotide variant.
Coding change: c.8422C>A on transcript NM_006031.6 (MANE Select); coding-DNA position 8422, C replaced by A.
Protein change: p.Leu2808Ile; replaces leucine 2808 with isoleucine.
Molecular consequence: missense variant.
Genome position (GRCh38, 1-based): chr21:46,431,886, C>A. VCF-style: chr21-46431886-C-A. GRCh37 (hg19) VCF-style: chr21-47851800-C-A.
Other names: c.8068C>A, p.Leu2690Ile (NM_001315529.2); short protein forms L2690I, L2808I.
Identifiers: ClinVar variation 1958642 (VCV001958642.4), dbSNP rs752964711, ClinGen allele CA10080967.

ClinVar aggregate classification (germline): Uncertain significance. Review status: criteria provided, multiple submitters, no conflicts (2 of 4 stars). 3 submissions from 3 submitters: Uncertain significance (3). Last evaluated 2025-11-09.

Conditions:
Inborn genetic diseases. Identifiers: MedGen C0950123, MeSH D030342.
PCNT-related disorder. Also called: PCNT-related condition.

Allele frequency attached by ClinVar (database versions not stated): ExAC 0.00001; gnomAD 0.00001; TOPMed 0.00002.
gnomAD v4.1: 72 of 1,613,946 alleles (0.0045%); highest among the groups gnomAD compares: Non-Finnish European, 0.006%; no homozygotes.

Submissions (3):

PreventionGenetics, part of Exact Sciences
Classification: Uncertain significance for PCNT-related condition. Last evaluated: 2025-11-09. Review status: criteria provided, single submitter. Criteria: ACMG Guidelines, 2015. Collection method: clinical testing. Allele origin: germline.
Comment: The PCNT c.8422C>A variant is predicted to result in the amino acid substitution p.Leu2808Ile. To our knowledge, this variant has not been reported in the literature. This variant is reported in 0.0062% of alleles in individuals of African descent in gnomAD. At this time, the clinical significance of this variant is uncertain due to the absence of conclusive functional and genetic evidence.

Ambry Genetics
Classification: Uncertain significance for Inborn genetic diseases. Last evaluated: 2022-12-06. Review status: criteria provided, single submitter. Criteria: Ambry Variant Classification Scheme 2023. Collection method: clinical testing. Allele origin: germline.

Labcorp Genetics (formerly Invitae), Labcorp
Classification: Uncertain significance. Last evaluated: 2022-08-16. Review status: criteria provided, single submitter. Criteria: Invitae Variant Classification Sherloc (09022015). Collection method: clinical testing. Allele origin: germline.
Comment: This sequence change replaces leucine, which is neutral and non-polar, with isoleucine, which is neutral and non-polar, at codon 2808 of the PCNT protein (p.Leu2808Ile). This variant is present in population databases (rs752964711, gnomAD 0.007%). This variant has not been reported in the literature in individuals affected with PCNT-related conditions. Algorithms developed to predict the effect of missense changes on protein structure and function are either unavailable or do not agree on the potential impact of this missense change (SIFT: "Tolerated"; PolyPhen-2: "Possibly Damaging"; Align-GVGD: "Class C0"). In summary, the available evidence is currently insufficient to determine the role of this variant in disease. Therefore, it has been classified as a Variant of Uncertain Significance.